The following is an entry in ClinVar:

ClinVar aggregate classification (germline): Benign/Likely benign. Review status: criteria provided, multiple submitters, no conflicts (2 of 4 stars). 12 submissions from 12 submitters: Benign (5); Likely benign (3). 4 of the submissions do not count toward it. Last evaluated 2026-02-04.

Conditions:
Cardiovascular phenotype. Identifiers: MedGen CN230736.
Emery-Dreifuss muscular dystrophy (EDMD). Also called: Scapuloperoneal syndrome, X-linked (formerly); Humeroperoneal neuromuscular disease, (formerly). Identifiers: Orphanet 261, MedGen C0410189, MONDO:0016830.
Cardiomyopathy (CMYO). Also called: Cardiomyopathies. Identifiers: Orphanet 167848, MedGen C0878544, MONDO:0004994, HP:0001638. Inheritance: Various modes of inheritance.
X-linked Emery-Dreifuss muscular dystrophy. Also called: Muscular dystrophy, tardive Emery-Dreifuss type, with contractures. Identifiers: Orphanet 261, Orphanet 98863, MedGen C0751337, MONDO:0010680.

Allele frequency attached by ClinVar (database versions not stated): gnomAD exomes 0.00017 and 0.00046; gnomAD 0.00019 and 0.00024; TOPMed 0.00029; ExAC 0.00066; 1000 Genomes Project 30x 0.00083; 1000 Genomes Project 0.00106.

Submissions (12):

Labcorp Genetics (formerly Invitae), Labcorp
Classification: Benign for X-linked Emery-Dreifuss muscular dystrophy. Last evaluated: 2026-02-04. Review status: criteria provided, single submitter. Criteria: Invitae Variant Classification Sherloc (09022015). Collection method: clinical testing. Allele origin: germline.

Blueprint Genetics
Classification: Likely benign. Last evaluated: 2024-09-23. Review status: criteria provided, single submitter. Criteria: ACMG Guidelines, 2015. Collection method: clinical testing. Allele origin: germline.

Women's Health and Genetics/Laboratory Corporation of America, LabCorp
Classification: Benign. Last evaluated: 2022-05-25. Review status: criteria provided, single submitter. Criteria: LabCorp Variant Classification Summary - May 2015. Collection method: clinical testing. Allele origin: germline.
Comment: Variant summary: EMD c.445G>C (p.Asp149His) results in a non-conservative amino acid change in the encoded protein sequence. Three of five in-silico tools predict a benign effect of the variant on protein function. The variant allele was found at a frequency of 0.00044 in 205102 control chromosomes (gnomAD), predominantly at a frequency of 0.0058 within the East Asian subpopulation in the gnomAD database, including 31 hemizygotes. The observed variant frequency within East Asian control individuals in the gnomAD database is approximately 6 fold of the estimated maximal expected allele frequency for a pathogenic variant in EMD causing Emery-Dreifuss Muscular Dystrophy phenotype (0.001), strongly suggesting that the variant is a benign polymorphism found primarily in populations of East Asian origin. Six ClinVar submitters have assessed the variant since 2014: one classified the variant as likely benign and five as benign. Based on the evidence outlined above, the variant was classified as benign.

Ambry Genetics
Classification: Likely benign for Cardiovascular phenotype. Last evaluated: 2021-01-08. Review status: criteria provided, single submitter. Criteria: Ambry Variant Classification Scheme 2023. Collection method: clinical testing. Allele origin: germline.

GeneDx
Classification: Benign. Last evaluated: 2017-11-22. Review status: criteria provided, single submitter. Criteria: GeneDx Variant Classification (06012015). Collection method: clinical testing. Allele origin: germline. Affected: yes.
Comment: This variant is considered likely benign or benign based on one or more of the following criteria: it is a conservative change, it occurs at a poorly conserved position in the protein, it is predicted to be benign by multiple in silico algorithms, and/or has population frequency not consistent with disease.

Eurofins Ntd Llc (ga)
Classification: Benign. Last evaluated: 2017-05-05. Review status: criteria provided, single submitter. Criteria: EGL Classification Definitions 2015. Collection method: clinical testing. Allele origin: germline. Observed: 1 variant allele, 1 heterozygote.

Center for Advanced Laboratory Medicine, UC San Diego Health, University of California San Diego
Classification: Benign for Cardiomyopathy. Last evaluated: 2017-04-04. Review status: criteria provided, single submitter. Criteria: ACMG Guidelines, 2015. Collection method: clinical testing. Allele origin: germline. Affected: yes. Observed: 1 variant allele.

Breakthrough Genomics
Classification: Likely benign. Review status: criteria provided, single submitter. Criteria: ACMG Guidelines, 2015. Collection method: not provided. Allele origin: germline. Inheritance: X-linked inheritance. Affected: yes.

Natera, Inc.
Classification: Benign for Emery-Dreifuss muscular dystrophy. Last evaluated: 2020-09-16. Review status: no assertion criteria provided. Collection method: clinical testing. Allele origin: germline. Not counted in ClinVar's aggregate classification.

Clinical Genetics DNA and cytogenetics Diagnostics Lab, Erasmus MC, Erasmus Medical Center
Classification: Likely benign. Review status: no assertion criteria provided. Collection method: clinical testing. Allele origin: germline. Affected: yes. Study: VKGL Data-share Consensus. Not counted in ClinVar's aggregate classification.

Clinical Genetics, Academic Medical Center
Classification: Benign. Review status: no assertion criteria provided. Collection method: clinical testing. Allele origin: germline. Affected: yes. Study: VKGL Data-share Consensus. Not counted in ClinVar's aggregate classification.

Joint Genome Diagnostic Labs from Nijmegen and Maastricht, Radboudumc and MUMC+
Classification: Likely benign. Review status: no assertion criteria provided. Collection method: clinical testing. Allele origin: germline. Affected: yes. Study: VKGL Data-share Consensus. Not counted in ClinVar's aggregate classification.

NM_000117.3(EMD):c.445G>C (p.Asp149His)

Gene: EMD (emerin; plus strand). Cytogenetic location: Xq28.
Variant type: single nucleotide variant.
Coding change: c.445G>C on transcript NM_000117.3 (MANE Select); coding-DNA position 445, G replaced by C.
Protein change: p.Asp149His; replaces aspartic acid 149 with histidine.
Molecular consequence: missense variant.
Genome position (GRCh38, 1-based): chrX:154,380,798, G>C. VCF-style: chrX-154380798-G-C. GRCh37 (hg19) VCF-style: chrX-153609158-G-C.
Other names: short protein forms D149H.
Identifiers: ClinVar variation 237014 (VCV000237014.32), dbSNP rs2070818, ClinGen allele CA10561608.